The following is an entry in ClinVar:

NM_001003800.2(BICD2):c.2081G>A (p.Arg694His)

Gene: BICD2 (BICD cargo adaptor 2; minus strand). Cytogenetic location: 9q22.31.
Variant type: single nucleotide variant.
Coding change: c.2081G>A on transcript NM_001003800.2 (MANE Select); coding-DNA position 2081, G replaced by A.
Protein change: p.Arg694His; replaces arginine 694 with histidine.
Molecular consequence: missense variant.
Genome position (GRCh38, 1-based): chr9:92,718,564, C>T on the plus strand (G>A on the coding strand, the complement: BICD2 is on the minus strand). VCF-style: chr9-92718564-C-T. GRCh37 (hg19) VCF-style: chr9-95480846-C-T.
Other names: c.2081G>A, p.Arg694His (NM_015250.4); short protein forms R694H.
Identifiers: ClinVar variation 1323979 (VCV001323979.5), dbSNP rs2131499515, ClinGen allele CA374033750.

ClinVar aggregate classification (germline): Pathogenic/Likely pathogenic. Review status: criteria provided, multiple submitters, no conflicts (2 of 4 stars). 3 submissions from 3 submitters: Pathogenic (1); Likely pathogenic (2). Last evaluated 2025-08-14.

Conditions:
Spinal muscular atrophy, lower extremity-predominant, 2b, prenatal onset, autosomal dominant. Also called: Spinal muscular atrophy, lower extremity-predominant, 2B, autosomal dominant. Identifiers: MedGen C4749003, MONDO:0032660, OMIM 618291.

Submissions (3):

Variantyx, Inc.
Classification: Likely pathogenic for Spinal muscular atrophy, lower extremity-predominant, 2b, prenatal onset, autosomal dominant. Last evaluated: 2025-08-14. Review status: criteria provided, single submitter. Criteria: Variantyx Assertion Criteria 2022. Collection method: clinical testing. Allele origin: germline. Inheritance: Autosomal recessive inheritance. Affected: yes.
Comment: This is a nonsynonymous variant in the BICD2 gene (OMIM: 609797). Pathogenic variants in this gene have been associated with autosomal dominant prenatal-onset lower extremity-predominant spinal muscular atrophy 2B. An alternate amino acid change at this position (p.Arg694Cys) has been previously reported in individuals with severe congenital neuromuscular disease, arthrogryposis multiplex, respiratory insufficiency and early lethality, which suggests that this residue is biologically important (PMID: 27751653) (PM5). Multiple computational algorithms predict a deleterious effect for this variant (REVEL score: 0.715) (PP3). This variant is absent from control populations (PM2). Based on the current evidence, this variant is classified as likely pathogenic for autosomal dominant prenatal-onset lower extremity-predominant spinal muscular atrophy 2B.

MVZ Martinsried, Medicover Genetics
Classification: Pathogenic for Spinal muscular atrophy, lower extremity-predominant, 2b, prenatal onset, autosomal dominant. Last evaluated: 2025-05-26. Review status: criteria provided, single submitter. Criteria: ACGS Guidelines, 2020. Collection method: clinical testing. Allele origin: de novo. Affected: yes. Observed: 1 heterozygote.

Revvity Omics, Revvity
Classification: Likely pathogenic. Last evaluated: 2020-08-05. Review status: criteria provided, single submitter. Criteria: ACMG Guidelines, 2015. Collection method: clinical testing. Allele origin: germline.

Literature cited by the submitters: PubMed 27751653 (cited by Variantyx, Inc.); PubMed 33686258 (cited by Variantyx, Inc.).